The following is an entry in ClinVar:

NM_000551.4(VHL):c.161T>G (p.Met54Arg)

Gene: VHL (von Hippel-Lindau tumor suppressor; plus strand). Cytogenetic location: 3p25.3.
Variant type: single nucleotide variant.
Coding change: c.161T>G on transcript NM_000551.4 (MANE Select); coding-DNA position 161, T replaced by G.
Protein change: p.Met54Arg; replaces methionine 54 with arginine.
Molecular consequence: missense variant.
Genome position (GRCh38, 1-based): chr3:10,142,008, T>G. VCF-style: chr3-10142008-T-G. GRCh37 (hg19) VCF-style: chr3-10183692-T-G.
Other names: c.161T>G, p.Met54Arg (NM_001354723.2, NM_198156.3); short protein forms M54R.
Identifiers: ClinVar variation 2043162 (VCV002043162.4), dbSNP rs1575921544, ClinGen allele CA351748469.

ClinVar aggregate classification (germline): Likely pathogenic (1 of 4 stars; one submission).

Conditions:
Von Hippel-Lindau syndrome (VHLS). Also called: Von Hippel-Lindau; von Hippel–Lindau syndrome; VHL syndrome. Identifiers: Orphanet 892, MedGen C0019562, MONDO:0008667, OMIM 193300. Disease mechanism: loss of function.
Chuvash polycythemia. Also called: POLYCYTHEMIA, VHL-DEPENDENT. Identifiers: Orphanet 238557, MedGen C1837915, MONDO:0009892, OMIM 263400.

Submission:

Labcorp Genetics (formerly Invitae), Labcorp
Classification: Likely pathogenic for Von Hippel-Lindau syndrome; Chuvash polycythemia. Last evaluated: 2021-12-15. Review status: criteria provided, single submitter. Criteria: Invitae Variant Classification Sherloc (09022015). Collection method: clinical testing. Allele origin: germline.
Comment: In summary, the currently available evidence indicates that the variant is pathogenic, but additional data are needed to prove that conclusively. Therefore, this variant has been classified as Likely Pathogenic. Experimental studies using patient's cells have shown that disruption of Met54 (p.Met54Ile) affects VHLp19 expression, but does not affect VHLp30 expression (PMID: 26224408). Algorithms developed to predict the effect of missense changes on protein structure and function (SIFT, PolyPhen-2, Align-GVGD) all suggest that this variant is likely to be tolerated. Disruption of the initiator Met54 codon (p.Met54Ile) has been observed to be homozygous in individuals of Moroccan origin who were affected with erythrocytosis and pulmonary arterial hypertension, and reported to segregate with erythrocytosis in a family (PMID: 26224408, 27578599). However, individuals observed to be heterozygous did not present von Hippel-Lindau (VHL) associated clinical features (PMID: 26224408), suggesting that its association with VHL is currently unclear. This variant is not present in population databases (gnomAD no frequency). This sequence change affects the initiator methionine of the VHL mRNA at codon 54 (Met54), which is responsible for translation initiation of the VHLp19 functional isoform. However, the initiator methionine at codon 1 (Met1) responsible for translation initiation of the VHLp30 functional isoform is preserved.

Literature cited by the submitters: PubMed 26224408; PubMed 27578599.